The following is an entry in ClinVar:

NM_001080432.3(FTO):c.754C>T (p.Pro252Ser)

Gene: FTO (FTO alpha-ketoglutarate dependent dioxygenase; plus strand). Cytogenetic location: 16q12.2.
Variant type: single nucleotide variant.
Coding change: c.754C>T on transcript NM_001080432.3 (MANE Select); coding-DNA position 754, C replaced by T.
Protein change: p.Pro252Ser; replaces proline 252 with serine.
Molecular consequence: missense variant. On other transcripts: non-coding transcript variant (1), intron variant (2).
Genome position (GRCh38, 1-based): chr16:53,844,157, C>T. VCF-style: chr16-53844157-C-T. GRCh37 (hg19) VCF-style: chr16-53878069-C-T.
Other names: c.784C>T, p.Pro262Ser (NM_001363891.2, NM_001363898.2); c.754C>T, p.Pro252Ser (NM_001363894.2, NM_001363896.2, NM_001363900.2 and 5 more transcripts); c.676C>T, p.Pro226Ser (NM_001363897.2); c.241C>T, p.Pro81Ser (NM_001363905.2); c.781+17636C>T (NM_001363899.2); c.751+17666C>T (NM_001363901.2); short protein forms P226S, P262S, P252S, P81S.
Identifiers: ClinVar variation 1030089 (VCV001030089.3), dbSNP rs2079552258, ClinGen allele CA396119874.

ClinVar aggregate classification (germline): Uncertain significance. Review status: criteria provided, multiple submitters, no conflicts (2 of 4 stars). 3 submissions from 3 submitters: Uncertain significance (3). Last evaluated 2022-05-28.

Conditions:
Inborn genetic diseases. Identifiers: MedGen C0950123, MeSH D030342.
Lethal polymalformative syndrome, Boissel type. Also called: GROWTH RETARDATION, DEVELOPMENTAL DELAY, AND FACIAL DYSMORPHISM. Identifiers: Orphanet 210144, MedGen C2752001, MONDO:0013050, OMIM 612938.

Allele frequency attached by ClinVar (database versions not stated): TOPMed below 0.00001.

Submissions (3):

Labcorp Genetics (formerly Invitae), Labcorp
Classification: Uncertain significance. Last evaluated: 2022-05-28. Review status: criteria provided, single submitter. Criteria: Invitae Variant Classification Sherloc (09022015). Collection method: clinical testing. Allele origin: germline.
Comment: This sequence change replaces proline, which is neutral and non-polar, with serine, which is neutral and polar, at codon 252 of the FTO protein (p.Pro252Ser). This variant is not present in population databases (gnomAD no frequency). This variant has not been reported in the literature in individuals affected with FTO-related conditions. ClinVar contains an entry for this variant (Variation ID: 1030089). Algorithms developed to predict the effect of missense changes on protein structure and function output the following: SIFT: "Tolerated"; PolyPhen-2: "Benign"; Align-GVGD: "Class C0". The serine amino acid residue is found in multiple mammalian species, which suggests that this missense change does not adversely affect protein function. In summary, the available evidence is currently insufficient to determine the role of this variant in disease. Therefore, it has been classified as a Variant of Uncertain Significance.

Ambry Genetics
Classification: Uncertain significance for Inborn genetic diseases. Last evaluated: 2021-01-27. Review status: criteria provided, single submitter. Criteria: Ambry Variant Classification Scheme 2023. Collection method: clinical testing. Allele origin: germline.

Baylor Genetics
Classification: Uncertain significance for Lethal polymalformative syndrome, Boissel type. Last evaluated: 2019-10-23. Review status: criteria provided, single submitter. Criteria: ACMG Guidelines, 2015. Collection method: clinical testing. Allele origin: unknown. Affected: yes.
Comment: This variant was determined to be of uncertain significance according to ACMG Guidelines, 2015 [PMID:25741868].